The following is an entry in ClinVar:

NM_005045.4(RELN):c.1379A>C (p.Lys460Thr)

Genes: RELN (reelin; minus strand), LOC126860131 (MED14-independent group 3 enhancer GRCh37_chr7:103301048-103302247; plus strand). Cytogenetic location: 7q22.1.
Variant type: single nucleotide variant.
Coding change: c.1379A>C on transcript NM_005045.4 (MANE Select); coding-DNA position 1379, A replaced by C.
Protein change: p.Lys460Thr; replaces lysine 460 with threonine.
Molecular consequence: missense variant.
Genome position (GRCh38, 1-based): chr7:103,661,438, T>G on the plus strand (A>C on the coding strand, the complement: RELN is on the minus strand). VCF-style: chr7-103661438-T-G. GRCh37 (hg19) VCF-style: chr7-103301885-T-G.
Other names: c.1379A>C, p.Lys460Thr (NM_173054.3); short protein forms K460T.
Identifiers: ClinVar variation 542564 (VCV000542564.11), dbSNP rs779530655, ClinGen allele CA4422280.
Genomic context (GRCh38, chr7:103,661,438, plus strand): 5'-ATCACAAAGTAAAACCTCAGGTTCCCATAACCGGTAGTGTCCATGGATGGAGTGCATAAT[T>G]TCCTCTCTCCATCTTTGAGGAAGACCATTGATAAGCCTGATTCTATCGTTCCACATTCTG-3'
Protein context (NP_005036.2, residues 450-470): SMVFLKDGER[Lys460Thr]LCTPSMDTTG

ClinVar aggregate classification (germline): Conflicting classifications of pathogenicity. Review status: criteria provided, conflicting classifications (1 of 4 stars). 3 submissions from 3 submitters: Uncertain significance (2); Likely benign (1). Last evaluated 2023-11-19.

Conditions:
Familial temporal lobe epilepsy 7. Identifiers: Orphanet 101046, MedGen C4225327, MONDO:0014639, OMIM 616436.
Norman-Roberts syndrome (LIS2). Also called: Lissencephaly 2 (Norman-Roberts type). Identifiers: Orphanet 89844, MedGen C0796089, MONDO:0009760, OMIM 257320.
Inborn genetic diseases. Identifiers: MedGen C0950123, MeSH D030342.

Allele frequency attached by ClinVar (database versions not stated): TOPMed 0.00001.
gnomAD v4.1: 10 of 1,613,822 alleles (0.00062%); highest among the groups gnomAD compares: Admixed American, 0.017%; no homozygotes.

Submissions (3):

Labcorp Genetics (formerly Invitae), Labcorp
Classification: Likely benign for Familial temporal lobe epilepsy 7; Norman-Roberts syndrome. Last evaluated: 2023-11-19. Review status: criteria provided, single submitter. Criteria: Invitae Variant Classification Sherloc (09022015). Collection method: clinical testing. Allele origin: germline.

GeneDx
Classification: Uncertain significance. Last evaluated: 2022-03-21. Review status: criteria provided, single submitter. Criteria: GeneDx Variant Classification Process June 2021. Collection method: clinical testing. Allele origin: germline. Affected: yes.
Comment: In silico analysis supports that this missense variant does not alter protein structure/function; Has not been previously published as pathogenic or benign to our knowledge

Ambry Genetics
Classification: Uncertain significance for Inborn genetic diseases. Last evaluated: 2021-04-01. Review status: criteria provided, single submitter. Criteria: Ambry Variant Classification Scheme 2023. Collection method: clinical testing. Allele origin: germline.